The following is an entry in ClinVar:

NM_001999.4(FBN2):c.2945G>A (p.Cys982Tyr)

Gene: FBN2 (fibrillin 2; minus strand). Cytogenetic location: 5q23.3.
Variant type: single nucleotide variant.
Coding change: c.2945G>A on transcript NM_001999.4 (MANE Select); coding-DNA position 2945, G replaced by A.
Protein change: p.Cys982Tyr; replaces cysteine 982 with tyrosine.
Molecular consequence: missense variant.
Genome position (GRCh38, 1-based): chr5:128,349,391, C>T on the plus strand (G>A on the coding strand, the complement: FBN2 is on the minus strand). VCF-style: chr5-128349391-C-T. GRCh37 (hg19) VCF-style: chr5-127685083-C-T.
Other names: short protein forms C982Y.
Identifiers: ClinVar variation 458750 (VCV000458750.10), dbSNP rs1057519321, ClinGen allele CA360765270.
Genomic context (GRCh38, chr5:128,349,391, plus strand): 5'-AGGGTGTGAATCTTACCCAAACATACACGGCCAGTCCCATCCAACGTAAGGCCTTCAGGG[C>T]ACTCGCAATGAAAAGATCCCTTACTGTTGACACAGCGTCCATTTGGACAAACGCCAGGGA-3'
Protein context (NP_001990.2, residues 972-992): VNSKGSFHCE[Cys982Tyr]PEGLTLDGTG

ClinVar aggregate classification (germline): Uncertain significance. Review status: criteria provided, multiple submitters, no conflicts (2 of 4 stars). 2 submissions from 2 submitters: Uncertain significance (2). Last evaluated 2024-10-02.

Conditions:
Congenital contractural arachnodactyly (CCA). Also called: Beals-Hecht syndrome; BEALS SYNDROME; Arthrogryposis, distal, type 9. Identifiers: Orphanet 115, MedGen C0220668, MONDO:0007363, OMIM 121050.

Submissions (2):

GeneDx
Classification: Uncertain significance. Last evaluated: 2024-10-02. Review status: criteria provided, single submitter. Criteria: GeneDx Variant Classification Process June 2021. Collection method: clinical testing. Allele origin: germline. Affected: yes.
Comment: Has not been previously published as pathogenic or benign to our knowledge; Not observed at significant frequency in large population cohorts (gnomAD); In silico analysis supports that this missense variant has a deleterious effect on protein structure/function; This variant is associated with the following publications: (PMID: 19006240, 18767143)

Labcorp Genetics (formerly Invitae), Labcorp
Classification: Uncertain significance for Congenital contractural arachnodactyly. Last evaluated: 2022-10-07. Review status: criteria provided, single submitter. Criteria: Invitae Variant Classification Sherloc (09022015). Collection method: clinical testing. Allele origin: germline.
Comment: ClinVar contains an entry for this variant (Variation ID: 458750). In summary, the available evidence is currently insufficient to determine the role of this variant in disease. Therefore, it has been classified as a Variant of Uncertain Significance. Advanced modeling of protein sequence and biophysical properties (such as structural, functional, and spatial information, amino acid conservation, physicochemical variation, residue mobility, and thermodynamic stability) performed at Invitae indicates that this missense variant is expected to disrupt FBN2 protein function. This missense change has been observed in individual(s) with clinical features of congenital contractural arachnodactyly (Invitae). This variant is not present in population databases (gnomAD no frequency). This sequence change replaces cysteine, which is neutral and slightly polar, with tyrosine, which is neutral and polar, at codon 982 of the FBN2 protein (p.Cys982Tyr).